The following is an entry in ClinVar:

ClinVar aggregate classification (germline): Uncertain significance (1 of 4 stars; one submission).

Submission:

Women's Health and Genetics/Laboratory Corporation of America, LabCorp
Classification: Uncertain significance. Last evaluated: 2025-12-22. Review status: criteria provided, single submitter. Criteria: LabCorp Variant Classification Summary - May 2015. Collection method: clinical testing. Allele origin: germline.
Comment: Variant summary: LAMB3 c.28G>C (p.Ala10Pro) results in a non-conservative amino acid change in the encoded protein sequence. Algorithms developed to predict the effect of missense changes on protein structure and function are either unavailable or do not agree on the potential impact of this missense change. The variant was absent in 251496 control chromosomes. The available data on variant occurrences in the general population are insufficient to allow any conclusion about variant significance. c.28G>C has been observed in an individual affected with Junctional Epidermolysis Bullosa (Hammersen_2016). These data do not allow any conclusion about variant significance. To our knowledge, no experimental evidence demonstrating an impact on protein function has been reported. The following publication has been ascertained in the context of this evaluation (PMID: 27375110). No submitters have cited clinical-significance assessments for this variant to ClinVar. Based on the evidence outlined above, the variant was classified as uncertain significance.

Literature cited by the submitters: PubMed 27375110.

NM_000228.3(LAMB3):c.28G>C (p.Ala10Pro)

Gene: LAMB3 (laminin subunit beta 3; minus strand). Cytogenetic location: 1q32.2.
Variant type: single nucleotide variant.
Coding change: c.28G>C on transcript NM_000228.3 (MANE Select); coding-DNA position 28, G replaced by C.
Protein change: p.Ala10Pro; replaces alanine 10 with proline.
Molecular consequence: missense variant.
Genome position (GRCh38, 1-based): chr1:209,650,917, C>G on the plus strand (G>C on the coding strand, the complement: LAMB3 is on the minus strand). VCF-style: chr1-209650917-C-G. GRCh37 (hg19) VCF-style: chr1-209824262-C-G.
Other names: c.28G>C, p.Ala10Pro (NM_001017402.2, NM_001127641.1); short protein forms A10P.
Identifiers: ClinVar variation 4688926 (VCV004688926.1).